The following is an entry in ClinVar:

ClinVar aggregate classification (germline): Uncertain significance (1 of 4 stars; one submission).

Conditions:
Breast-ovarian cancer, familial, susceptibility to, 4. Identifiers: Orphanet 145, MedGen C3280345, MONDO:0013669, OMIM 614291.

Submission:

Labcorp Genetics (formerly Invitae), Labcorp
Classification: Uncertain significance for Breast-ovarian cancer, familial, susceptibility to, 4. Last evaluated: 2021-04-26. Review status: criteria provided, single submitter. Criteria: Invitae Variant Classification Sherloc (09022015). Collection method: clinical testing. Allele origin: germline.
Comment: This variant is not present in population databases (ExAC no frequency). In summary, the available evidence is currently insufficient to determine the role of this variant in disease. Therefore, it has been classified as a Variant of Uncertain Significance. Algorithms developed to predict the effect of missense changes on protein structure and function are either unavailable or do not agree on the potential impact of this missense change (SIFT: "Tolerated"; PolyPhen-2: "Possibly Damaging"; Align-GVGD: "Class C0"). This variant has not been reported in the literature in individuals with RAD51D-related conditions. This sequence change replaces lysine with arginine at codon 76 of the RAD51D protein (p.Lys76Arg). The lysine residue is moderately conserved and there is a small physicochemical difference between lysine and arginine.

NM_002878.4(RAD51D):c.227A>G (p.Lys76Arg)

Genes: RAD51L3-RFFL (RAD51L3-RFFL readthrough; minus strand), RAD51D (RAD51 paralog D; minus strand). Cytogenetic location: 17q12.
Variant type: single nucleotide variant.
Coding change: c.227A>G on transcript NM_002878.4 (MANE Select); coding-DNA position 227, A replaced by G.
Protein change: p.Lys76Arg; replaces lysine 76 with arginine.
Molecular consequence: missense variant. On other transcripts: intron variant (2).
Genome position (GRCh38, 1-based): chr17:35,118,537, T>C on the plus strand (A>G on the coding strand, the complement: RAD51D is on the minus strand). VCF-style: chr17-35118537-T-C. GRCh37 (hg19) VCF-style: chr17-33445556-T-C.
Other names: c.144+574A>G (NM_133629.3, NM_001142571.2); short protein forms K76R.
Identifiers: ClinVar variation 1349017 (VCV001349017.8), dbSNP rs2142473925, ClinGen allele CA399091243.